The following is an entry in ClinVar:

NM_003119.4(SPG7):c.2182-921C>T

Gene: SPG7 (SPG7 matrix AAA peptidase subunit, paraplegin; plus strand). Cytogenetic location: 16q24.3.
Variant type: single nucleotide variant.
Coding change: c.2182-921C>T on transcript NM_003119.4 (MANE Select); 921 bases into the intron before coding-DNA position 2182, C replaced by T.
Molecular consequence: intron variant. On other transcripts: missense variant (1).
Genome position (GRCh38, 1-based): chr16:89,555,966, C>T. VCF-style: chr16-89555966-C-T. GRCh37 (hg19) VCF-style: chr16-89622374-C-T.
Other names: c.2270C>T, p.Ala757Val (NM_001363850.1); short protein forms A757V.
Identifiers: ClinVar variation 4985687 (VCV004985687.1).

ClinVar aggregate classification (germline): Likely benign (1 of 4 stars; one submission).

Conditions:
SPG7-related disorder. Also called: SPG7-related condition.

Submission:

PreventionGenetics, part of Exact Sciences
Classification: Likely benign for SPG7-related condition. Last evaluated: 2025-12-12. Review status: criteria provided, single submitter. Criteria: ACMG Guidelines, 2015. Collection method: clinical testing. Allele origin: germline.
Comment: This variant is classified as likely benign based on ACMG/AMP sequence variant interpretation guidelines (Richards et al. 2015 PMID: 25741868, with internal and published modifications).